The following is an entry in ClinVar:

ClinVar aggregate classification (germline): Uncertain significance (1 of 4 stars; one submission).

Submission:

Labcorp Genetics (formerly Invitae), Labcorp
Classification: Uncertain significance. Last evaluated: 2021-12-23. Review status: criteria provided, single submitter. Criteria: Invitae Variant Classification Sherloc (09022015). Collection method: clinical testing. Allele origin: germline.
Comment: In summary, the available evidence is currently insufficient to determine the role of this variant in disease. Therefore, it has been classified as a Variant of Uncertain Significance. Algorithms developed to predict the effect of missense changes on protein structure and function (SIFT, PolyPhen-2, Align-GVGD) all suggest that this variant is likely to be tolerated. This variant has not been reported in the literature in individuals affected with SIN3A-related conditions. This variant is not present in population databases (gnomAD no frequency). This sequence change replaces asparagine, which is neutral and polar, with aspartic acid, which is acidic and polar, at codon 1028 of the SIN3A protein (p.Asn1028Asp).

NM_001145358.2(SIN3A):c.3082A>G (p.Asn1028Asp)

Gene: SIN3A (SIN3 transcription regulator family member A; minus strand). Cytogenetic location: 15q24.2.
Variant type: single nucleotide variant.
Coding change: c.3082A>G on transcript NM_001145358.2 (MANE Select); coding-DNA position 3082, A replaced by G.
Protein change: p.Asn1028Asp; replaces asparagine 1028 with aspartic acid.
Molecular consequence: missense variant.
Genome position (GRCh38, 1-based): chr15:75,384,377, T>C on the plus strand (A>G on the coding strand, the complement: SIN3A is on the minus strand). VCF-style: chr15-75384377-T-C. GRCh37 (hg19) VCF-style: chr15-75676718-T-C.
Other names: c.3082A>G, p.Asn1028Asp (NM_001145357.2, NM_015477.3); short protein forms N1028D.
Identifiers: ClinVar variation 2054146 (VCV002054146.4), dbSNP rs2543035026, ClinGen allele CA393487868.